The following is an entry in ClinVar:

NM_001098511.3(KIF2A):c.2225G>A (p.Arg742His)

Gene: KIF2A (kinesin family member 2A; plus strand). Cytogenetic location: 5q12.1.
Variant type: single nucleotide variant.
Coding change: c.2225G>A on transcript NM_001098511.3 (MANE Select); coding-DNA position 2225, G replaced by A.
Protein change: p.Arg742His; replaces arginine 742 with histidine.
Molecular consequence: missense variant.
Genome position (GRCh38, 1-based): chr5:62,385,559, G>A. VCF-style: chr5-62385559-G-A. GRCh37 (hg19) VCF-style: chr5-61681386-G-A.
Other names: c.2030G>A, p.Arg677His (NM_001243952.2); c.2054G>A, p.Arg685His (NM_001243953.2); c.2111G>A, p.Arg704His (NM_004520.5); short protein forms R677H, R685H, R704H, R742H.
Identifiers: ClinVar variation 2655488 (VCV002655488.25), dbSNP rs780774764, ClinGen allele CA3279143.

ClinVar aggregate classification (germline): Uncertain significance. Review status: criteria provided, multiple submitters, no conflicts (2 of 4 stars). 2 submissions from 2 submitters: Uncertain significance (2). Last evaluated 2025-04-17.

Allele frequency attached by ClinVar (database versions not stated): gnomAD 0.00001; gnomAD exomes 0.00001; TOPMed 0.00001.
gnomAD v4.1: 16 of 1,589,882 alleles (0.001%); highest among the groups gnomAD compares: East Asian, 0.0023%; no homozygotes.

Submissions (2):

Labcorp Genetics (formerly Invitae), Labcorp
Classification: Uncertain significance. Last evaluated: 2025-04-17. Review status: criteria provided, single submitter. Criteria: Invitae Variant Classification Sherloc (09022015). Collection method: clinical testing. Allele origin: germline.
Comment: This sequence change replaces arginine, which is basic and polar, with histidine, which is basic and polar, at codon 742 of the KIF2A protein (p.Arg742His). The frequency data for this variant in the population databases is considered unreliable, as metrics indicate poor data quality at this position in the gnomAD database. This variant has not been reported in the literature in individuals affected with KIF2A-related conditions. ClinVar contains an entry for this variant (Variation ID: 2655488). An algorithm developed to predict the effect of missense changes on protein structure and function (PolyPhen-2) suggests that this variant is likely to be tolerated. In summary, the available evidence is currently insufficient to determine the role of this variant in disease. Therefore, it has been classified as a Variant of Uncertain Significance.

CeGaT Center for Human Genetics Tuebingen
Classification: Uncertain significance. Last evaluated: 2022-03-01. Review status: criteria provided, single submitter. Criteria: CeGaT Center For Human Genetics Tuebingen Variant Classification Criteria Version 2. Collection method: clinical testing. Allele origin: germline. Affected: yes. Observed: 1 variant allele.
Comment: KIF2A: PP3